The following is an entry in ClinVar:

ClinVar aggregate classification (germline): Uncertain significance (1 of 4 stars; one submission).

Conditions:
Hereditary spastic paraplegia 28. Also called: Spastic paraplegia 28, autosomal recessive. Identifiers: Orphanet 101008, MedGen C1836295, MONDO:0012256, OMIM 609340.

Allele frequency attached by ClinVar (database versions not stated): gnomAD exomes below 0.00001; TOPMed below 0.00001; gnomAD 0.00001.
gnomAD v4.1: 2 of 1,612,878 alleles (0.00012%); highest among the groups gnomAD compares: Admixed American, 0.0017%; no homozygotes.

Submission:

Labcorp Genetics (formerly Invitae), Labcorp
Classification: Uncertain significance for Hereditary spastic paraplegia 28. Last evaluated: 2022-08-20. Review status: criteria provided, single submitter. Criteria: Invitae Variant Classification Sherloc (09022015). Collection method: clinical testing. Allele origin: germline.
Comment: This sequence change replaces threonine, which is neutral and polar, with alanine, which is neutral and non-polar, at codon 201 of the DDHD1 protein (p.Thr201Ala). This variant is present in population databases (no rsID available, gnomAD 0.007%). In summary, the available evidence is currently insufficient to determine the role of this variant in disease. Therefore, it has been classified as a Variant of Uncertain Significance. Algorithms developed to predict the effect of missense changes on protein structure and function output the following: SIFT: "Tolerated"; PolyPhen-2: "Benign"; Align-GVGD: "Class C0". The alanine amino acid residue is found in multiple mammalian species, which suggests that this missense change does not adversely affect protein function. This variant has not been reported in the literature in individuals affected with DDHD1-related conditions.

NM_001160148.2(DDHD1):c.601A>G (p.Thr201Ala)

Gene: DDHD1 (DDHD domain containing 1; minus strand). Cytogenetic location: 14q22.1.
Variant type: single nucleotide variant.
Coding change: c.601A>G on transcript NM_001160148.2 (MANE Select); coding-DNA position 601, A replaced by G.
Protein change: p.Thr201Ala; replaces threonine 201 with alanine.
Molecular consequence: missense variant.
Genome position (GRCh38, 1-based): chr14:53,152,498, T>C on the plus strand (A>G on the coding strand, the complement: DDHD1 is on the minus strand). VCF-style: chr14-53152498-T-C. GRCh37 (hg19) VCF-style: chr14-53619216-T-C.
Other names: c.601A>G, p.Thr201Ala (NM_001160147.2, NM_030637.3); short protein forms T201A.
Identifiers: ClinVar variation 2178704 (VCV002178704.4), dbSNP rs1317228475, ClinGen allele CA389780388.
Genomic context (GRCh38, chr14:53,152,498, plus strand): 5'-GGCCCGTGGGGGAGCACACATGGTCGCCGTCCCGGTCCCCGCCCTGGGGCCGGGCACCCG[T>C]GGTCTGCAGCAGGGTCCGGAAGGCGAGCTCGATGCGGAGCGAGTCGTAGCCGATGAAGGG-3'
Protein context (NP_001153620.1, residues 191-211): ELAFRTLLQT[Thr201Ala]GARPQGGDRD